The following is an entry in ClinVar:

NM_016103.4(SAR1B):c.80A>T (p.Lys27Ile)

Gene: SAR1B (secretion associated Ras related GTPase 1B; minus strand). Cytogenetic location: 5q31.1.
Variant type: single nucleotide variant.
Coding change: c.80A>T on transcript NM_016103.4 (MANE Select); coding-DNA position 80, A replaced by T.
Protein change: p.Lys27Ile; replaces lysine 27 with isoleucine.
Molecular consequence: missense variant.
Genome position (GRCh38, 1-based): chr5:134,621,031, T>A on the plus strand (A>T on the coding strand, the complement: SAR1B is on the minus strand). VCF-style: chr5-134621031-T-A. GRCh37 (hg19) VCF-style: chr5-133956721-T-A.
Other names: c.80A>T, p.Lys27Ile (NM_001033503.3); short protein forms K27I.
Identifiers: ClinVar variation 2180106 (VCV002180106.4), dbSNP rs2484143497, ClinGen allele CA361003770.

ClinVar aggregate classification (germline): Uncertain significance (1 of 4 stars; one submission).

Submission:

Labcorp Genetics (formerly Invitae), Labcorp
Classification: Uncertain significance. Last evaluated: 2024-10-29. Review status: criteria provided, single submitter. Criteria: Invitae Variant Classification Sherloc (09022015). Collection method: clinical testing. Allele origin: germline.
Comment: This sequence change replaces lysine, which is basic and polar, with isoleucine, which is neutral and non-polar, at codon 27 of the SAR1B protein (p.Lys27Ile). This variant is not present in population databases (gnomAD no frequency). This variant has not been reported in the literature in individuals affected with SAR1B-related conditions. ClinVar contains an entry for this variant (Variation ID: 2180106). An algorithm developed to predict the effect of missense changes on protein structure and function (PolyPhen-2) suggests that this variant is likely to be disruptive. In summary, the available evidence is currently insufficient to determine the role of this variant in disease. Therefore, it has been classified as a Variant of Uncertain Significance.